The following is an entry in ClinVar:

NM_014244.5(ADAMTS2):c.2917G>A (p.Glu973Lys)

Gene: ADAMTS2 (ADAM metallopeptidase with thrombospondin type 1 motif 2; minus strand). Cytogenetic location: 5q35.3.
Variant type: single nucleotide variant.
Coding change: c.2917G>A on transcript NM_014244.5 (MANE Select); coding-DNA position 2917, G replaced by A.
Protein change: p.Glu973Lys; replaces glutamic acid 973 with lysine.
Molecular consequence: missense variant.
Genome position (GRCh38, 1-based): chr5:179,125,014, C>T on the plus strand (G>A on the coding strand, the complement: ADAMTS2 is on the minus strand). VCF-style: chr5-179125014-C-T. GRCh37 (hg19) VCF-style: chr5-178552015-C-T.
Other names: short protein forms E973K.
Identifiers: ClinVar variation 4986985 (VCV004986985.1).

ClinVar aggregate classification (germline): Uncertain significance (1 of 4 stars; one submission).

Conditions:
ADAMTS2-related disorder. Also called: ADAMTS2-related condition.

gnomAD v4.1: 8 of 1,606,818 alleles (0.0005%); highest among the groups gnomAD compares: East Asian, 0.0045%; no homozygotes.

Submission:

PreventionGenetics, part of Exact Sciences
Classification: Uncertain significance for ADAMTS2-related condition. Last evaluated: 2024-12-18. Review status: criteria provided, single submitter. Criteria: ACMG Guidelines, 2015. Collection method: clinical testing. Allele origin: germline.
Comment: The ADAMTS2 c.2917G>A variant is predicted to result in the amino acid substitution p.Glu973Lys. To our knowledge, this variant has not been reported in the literature. This variant is reported in 0.0041% of alleles in individuals of African descent in gnomAD. At this time, the clinical significance of this variant is uncertain due to the absence of conclusive functional and genetic evidence.